The following is an entry in ClinVar:

NM_004336.5(BUB1):c.1496C>T (p.Ala499Val)

Gene: BUB1 (BUB1 mitotic checkpoint serine/threonine kinase; minus strand). Cytogenetic location: 2q13.
Variant type: single nucleotide variant.
Coding change: c.1496C>T on transcript NM_004336.5 (MANE Select); coding-DNA position 1496, C replaced by T.
Protein change: p.Ala499Val; replaces alanine 499 with valine.
Molecular consequence: missense variant.
Genome position (GRCh38, 1-based): chr2:110,658,430, G>A on the plus strand (C>T on the coding strand, the complement: BUB1 is on the minus strand). VCF-style: chr2-110658430-G-A. GRCh37 (hg19) VCF-style: chr2-111416007-G-A.
Other names: c.1436C>T, p.Ala479Val (NM_001278616.2); c.1496C>T, p.Ala499Val (NM_001278617.2); short protein forms A479V, A499V.
Identifiers: ClinVar variation 2464644 (VCV002464644.3), dbSNP rs772080082, ClinGen allele CA1828065.

ClinVar aggregate classification (germline): Uncertain significance. Review status: criteria provided, multiple submitters, no conflicts (2 of 4 stars). 2 submissions from 2 submitters: Uncertain significance (2). Last evaluated 2025-10-13.

Allele frequency attached by ClinVar (database versions not stated): ExAC 0.00001; gnomAD 0.00001; gnomAD exomes 0.00001.
gnomAD v4.1: 13 of 1,613,262 alleles (0.00081%); highest among the groups gnomAD compares: Middle Eastern, 0.017%; no homozygotes.

Submissions (2):

Labcorp Genetics (formerly Invitae), Labcorp
Classification: Uncertain significance. Last evaluated: 2025-10-13. Review status: criteria provided, single submitter. Criteria: Invitae Variant Classification Sherloc (09022015). Collection method: clinical testing. Allele origin: germline.
Comment: This sequence change replaces alanine, which is neutral and non-polar, with valine, which is neutral and non-polar, at codon 499 of the BUB1 protein (p.Ala499Val). This variant is present in population databases (rs772080082, gnomAD 0.009%). This variant has not been reported in the literature in individuals affected with BUB1-related conditions. ClinVar contains an entry for this variant (Variation ID: 2464644). Experimental studies and prediction algorithms are not available or were not evaluated, and the functional significance of this variant is currently unknown. In summary, the available evidence is currently insufficient to determine the role of this variant in disease. Therefore, it has been classified as a Variant of Uncertain Significance.

Ambry Genetics
Classification: Uncertain significance. Last evaluated: 2022-11-15. Review status: criteria provided, single submitter. Criteria: Ambry Variant Classification Scheme 2023. Collection method: clinical testing. Allele origin: germline.
Comment: The p.A499V variant (also known as c.1496C>T), located in coding exon 13 of the BUB1 gene, results from a C to T substitution at nucleotide position 1496. The alanine at codon 499 is replaced by valine, an amino acid with similar properties. This amino acid position is conserved. In addition, this alteration is predicted to be tolerated by in silico analysis. Since supporting evidence is limited at this time, the clinical significance of this alteration remains unclear.